The following is an entry in ClinVar:

NM_006567.5(FARS2):c.413G>A (p.Arg138Lys)

Genes: FARS2 (phenylalanyl-tRNA synthetase 2, mitochondrial; plus strand), LOC126859565 (CDK7 strongly-dependent group 2 enhancer GRCh37_chr6:5368745-5369944; plus strand). Cytogenetic location: 6p25.1.
Variant type: single nucleotide variant.
Coding change: c.413G>A on transcript NM_006567.5 (MANE Select); coding-DNA position 413, G replaced by A.
Protein change: p.Arg138Lys; replaces arginine 138 with lysine.
Molecular consequence: missense variant. On other transcripts: intron variant (2).
Genome position (GRCh38, 1-based): chr6:5,368,983, G>A. VCF-style: chr6-5368983-G-A. GRCh37 (hg19) VCF-style: chr6-5369216-G-A.
Other names: c.413G>A, p.Arg138Lys (NM_001318872.2, NM_001374875.1, NM_001374876.1 and 5 more transcripts); c.-340-27650G>A (NM_001375260.1); c.-84-35559G>A (NM_001375259.1); short protein forms R138K.
Identifiers: ClinVar variation 3731043 (VCV003731043.1).

ClinVar aggregate classification (germline): Uncertain significance (1 of 4 stars; one submission).

Submission:

GeneDx
Classification: Uncertain significance. Last evaluated: 2024-08-12. Review status: criteria provided, single submitter. Criteria: GeneDx Variant Classification Process June 2021. Collection method: clinical testing. Allele origin: germline. Affected: yes.
Comment: Not observed at significant frequency in large population cohorts (gnomAD); In silico analysis supports that this missense variant has a deleterious effect on protein structure/function; Has not been previously published as pathogenic or benign to our knowledge